The following is an entry in ClinVar:

ClinVar aggregate classification (germline): Likely pathogenic (1 of 4 stars; one submission).

Conditions:
DiGeorge syndrome. Also called: THIRD AND FOURTH PHARYNGEAL POUCH SYNDROME; Catch22. Identifiers: Orphanet 567, MedGen C0012236, MONDO:0008564, OMIM 188400.

Submission:

3billion
Classification: Likely pathogenic for DiGeorge syndrome. Last evaluated: 2023-03-29. Review status: criteria provided, single submitter. Criteria: ACMG Guidelines, 2015. Collection method: research. Allele origin: germline. Inheritance: Autosomal dominant inheritance. Affected: yes.
Comment: The variant is not observed in the gnomAD v2.1.1 dataset. Canonical splice site: predicted to alter splicing and result in a loss or disruption of normal protein function. Multiple pathogenic loss-of-function variants are reported downstream of the variant. Therefore, the variant was classified as likely pathogenic.

NM_001379200.1(TBX1):c.438-2A>T

Gene: TBX1 (T-box transcription factor 1; plus strand). Cytogenetic location: 22q11.21.
Variant type: single nucleotide variant.
Coding change: c.438-2A>T on transcript NM_001379200.1 (MANE Select); the canonical splice acceptor site of the intron before coding-DNA position 438, A replaced by T.
Molecular consequence: splice acceptor variant.
Genome position (GRCh38, 1-based): chr22:19,763,239, A>T. VCF-style: chr22-19763239-A-T. GRCh37 (hg19) VCF-style: chr22-19750762-A-T.
Other names: c.411-2A>T (NM_080647.1, NM_005992.1, NM_080646.2).
Identifiers: ClinVar variation 4280331 (VCV004280331.1).